The following is an entry in ClinVar:

NM_005144.5(HR):c.-248C>T

Genes: HR (HR lysine demethylase and nuclear receptor corepressor; minus strand), HRURF (HR upstream open reading frame; minus strand). Cytogenetic location: 8p21.3.
Variant type: single nucleotide variant.
Coding change: c.-248C>T on transcript NM_005144.5 (MANE Select); 248 bases upstream of the start codon, C replaced by T.
Molecular consequence: 5 prime UTR variant. On other transcripts: missense variant (1).
Genome position (GRCh38, 1-based): chr8:22,130,635, G>A on the plus strand (C>T on the coding strand, the complement: HR is on the minus strand). VCF-style: chr8-22130635-G-A. GRCh37 (hg19) VCF-style: chr8-21988148-G-A.
Other names: c.74C>T, p.Pro25Leu (NM_001394132.1); c.-248C>T (NM_018411.4); short protein forms P25L.
Identifiers: ClinVar variation 2696995 (VCV002696995.3), dbSNP rs2538893227, ClinGen allele CA2686427140.

ClinVar aggregate classification (germline): Pathogenic (1 of 4 stars; one submission).

Submission:

Labcorp Genetics (formerly Invitae), Labcorp
Classification: Pathogenic. Last evaluated: 2023-11-18. Review status: criteria provided, single submitter. Criteria: Invitae Variant Classification Sherloc (09022015). Collection method: clinical testing. Allele origin: germline.
Comment: This variant occurs in an alternate reading frame HRURF in the HR gene as c.74C>T (p.Pro25Leu), and corresponds to NM_005144.4:c.-248C>T in the primary transcript. This variant occurs in a non-coding region of the HR gene. It does not change the encoded amino acid sequence of the HR protein. This variant is not present in population databases (gnomAD no frequency). This variant has been observed in individual(s) with autosomal dominant Marie Unna hereditary hypotrichosis (PMID: 20163456, 24261346). It has also been observed to segregate with disease in related individuals. Algorithms developed to predict the effect of variants on protein structure and function are not available or were not evaluated for this variant. Experimental studies have shown that this variant affects HR function (PMID: 20163456). For these reasons, this variant has been classified as Pathogenic.

Literature cited by the submitters: PubMed 20163456; PubMed 24261346.